The following is an entry in ClinVar:

NM_012156.2(EPB41L1):c.1893C>T (p.Ser631=)

Gene: EPB41L1 (erythrocyte membrane protein band 4.1 like 1; plus strand). Cytogenetic location: 20q11.23.
Variant type: single nucleotide variant.
Coding change: c.1893C>T on transcript NM_012156.2 (MANE Select); coding-DNA position 1893, C replaced by T.
Protein change: p.Ser631=; no amino-acid change (serine 631 retained).
Molecular consequence: synonymous variant. On other transcripts: intron variant (1).
Genome position (GRCh38, 1-based): chr20:36,209,712, C>T. VCF-style: chr20-36209712-C-T. GRCh37 (hg19) VCF-style: chr20-34797634-C-T.
Other names: c.1893C>T, p.Ser631= (NM_001258329.1); c.1671C>T, p.Ser557= (NM_001258331.2, NM_177996.2); c.1540-2560C>T (NM_001258330.1).
Identifiers: ClinVar variation 210948 (VCV000210948.30), dbSNP rs142447348, ClinGen allele CA205446.

ClinVar aggregate classification (germline): Conflicting classifications of pathogenicity. Review status: criteria provided, conflicting classifications (1 of 4 stars). 4 submissions from 4 submitters: Uncertain significance (1); Likely benign (3). Last evaluated 2024-08-05.

Allele frequency attached by ClinVar (database versions not stated): ESP Exome Variant Server 0.00015; gnomAD 0.00019; ExAC 0.00021; gnomAD exomes 0.00021 and 0.00028; TOPMed 0.00025.
gnomAD v4.1: 417 of 1,614,152 alleles (0.026%); highest among the groups gnomAD compares: Middle Eastern, 0.066%; no homozygotes.

Submissions (4):

Blueprint Genetics
Classification: Likely benign. Last evaluated: 2024-08-05. Review status: criteria provided, single submitter. Criteria: ACMG Guidelines, 2015. Collection method: clinical testing. Allele origin: germline.

CeGaT Center for Human Genetics Tuebingen
Classification: Likely benign. Last evaluated: 2024-04-01. Review status: criteria provided, single submitter. Criteria: CeGaT Center For Human Genetics Tuebingen Variant Classification Criteria Version 2. Collection method: clinical testing. Allele origin: germline. Affected: yes. Observed: 1 variant allele.
Comment: EPB41L1: BP4, BP7

Labcorp Genetics (formerly Invitae), Labcorp
Classification: Likely benign. Last evaluated: 2018-06-23. Review status: criteria provided, single submitter. Criteria: Invitae Variant Classification Sherloc (09022015). Collection method: clinical testing. Allele origin: germline.

Genetic Services Laboratory, University of Chicago
Classification: Uncertain significance. Last evaluated: 2015-05-28. Review status: criteria provided, single submitter. Criteria: ACMG Guidelines, 2015. Collection method: clinical testing. Allele origin: germline.